The following is an entry in ClinVar:

ClinVar aggregate classification (germline): Uncertain significance. Review status: criteria provided, single submitter (1 of 4 stars). 2 submissions from 2 submitters: Uncertain significance (1). 1 of the submissions does not count toward it. Last evaluated 2023-01-29.

Conditions:
Rubinstein-Taybi syndrome due to EP300 haploinsufficiency. Also called: EP300-Related Rubinstein-Taybi Syndrome; RUBINSTEIN-TAYBI SYNDROME 2. Identifiers: Orphanet 353284, Orphanet 783, MedGen C3150941, MONDO:0013364, OMIM 613684.
EP300-related disorder. Also called: EP300-related condition; EP300-related disorders.

Allele frequency attached by ClinVar (database versions not stated): gnomAD exomes below 0.00001.
gnomAD v4.1: 1 of 1,614,112 alleles (0.000062%); highest among the groups gnomAD compares: Non-Finnish European, 0.000085%; no homozygotes.

Submissions (2):

Labcorp Genetics (formerly Invitae), Labcorp
Classification: Uncertain significance for Rubinstein-Taybi syndrome due to EP300 haploinsufficiency. Last evaluated: 2023-01-29. Review status: criteria provided, single submitter. Criteria: Invitae Variant Classification Sherloc (09022015). Collection method: clinical testing. Allele origin: germline.
Comment: In summary, the available evidence is currently insufficient to determine the role of this variant in disease. Therefore, it has been classified as a Variant of Uncertain Significance. Advanced modeling of protein sequence and biophysical properties (such as structural, functional, and spatial information, amino acid conservation, physicochemical variation, residue mobility, and thermodynamic stability) performed at Invitae indicates that this missense variant is not expected to disrupt EP300 protein function. This variant has not been reported in the literature in individuals affected with EP300-related conditions. This variant is present in population databases (no rsID available, gnomAD 0.0009%). This sequence change replaces leucine, which is neutral and non-polar, with valine, which is neutral and non-polar, at codon 453 of the EP300 protein (p.Leu453Val).

PreventionGenetics, part of Exact Sciences
Classification: Uncertain significance for EP300-related condition. Last evaluated: 2024-05-17. Review status: no assertion criteria provided. Collection method: clinical testing. Allele origin: germline. Not counted in ClinVar's aggregate classification.
Comment: The EP300 c.1357C>G variant is predicted to result in the amino acid substitution p.Leu453Val. To our knowledge, this variant has not been reported in the literature. This variant is reported in 0.00088% of alleles in individuals of European (Non-Finnish) descent in gnomAD. At this time, the clinical significance of this variant is uncertain due to the absence of conclusive functional and genetic evidence.

NM_001429.4(EP300):c.1357C>G (p.Leu453Val)

Gene: EP300 (EP300 lysine acetyltransferase; plus strand). Cytogenetic location: 22q13.2.
Variant type: single nucleotide variant.
Coding change: c.1357C>G on transcript NM_001429.4 (MANE Select); coding-DNA position 1357, C replaced by G.
Protein change: p.Leu453Val; replaces leucine 453 with valine.
Molecular consequence: missense variant.
Genome position (GRCh38, 1-based): chr22:41,131,462, C>G. VCF-style: chr22-41131462-C-G. GRCh37 (hg19) VCF-style: chr22-41527466-C-G.
Other names: c.1357C>G, p.Leu453Val (NM_001362843.2); c.1357C>G (NM_001429.3); short protein forms L453V.
Identifiers: ClinVar variation 2832796 (VCV002832796.4), dbSNP rs1315254953, ClinGen allele CA411685657.